The following is an entry in ClinVar:

ClinVar aggregate classification (germline): Benign/Likely benign. Review status: criteria provided, multiple submitters, no conflicts (2 of 4 stars). 3 submissions from 3 submitters: Benign (1); Likely benign (1). 1 of the submissions does not count toward it. Last evaluated 2026-01-06.

Conditions:
DHTKD1-related disorder. Also called: DHTKD1-related condition.
2-aminoadipic 2-oxoadipic aciduria (AAKAD). Also called: ALPHA-AMINOADIPIC AND ALPHA-KETOADIPIC ACIDURIA; Aminoadipic aciduria. Identifiers: Orphanet 79154, MedGen C1859817, MONDO:0008774, OMIM 204750.

Allele frequency attached by ClinVar (database versions not stated): ESP Exome Variant Server 0.00023; gnomAD exomes 0.00024 and 0.00043; ExAC 0.00026; gnomAD 0.00041; TOPMed 0.00041.
gnomAD v4.1: 435 of 1,613,822 alleles (0.027%); highest among the groups gnomAD compares: Middle Eastern, 0.082%; 2 homozygotes.

Submissions (3):

Labcorp Genetics (formerly Invitae), Labcorp
Classification: Benign for 2-aminoadipic 2-oxoadipic aciduria. Last evaluated: 2026-01-06. Review status: criteria provided, single submitter. Criteria: Invitae Variant Classification Sherloc (09022015). Collection method: clinical testing. Allele origin: germline.

CeGaT Center for Human Genetics Tuebingen
Classification: Likely benign. Last evaluated: 2024-07-01. Review status: criteria provided, single submitter. Criteria: CeGaT Center For Human Genetics Tuebingen Variant Classification Criteria Version 2. Collection method: clinical testing. Allele origin: germline. Affected: yes. Observed: 2 variant alleles.
Comment: DHTKD1: BP4

PreventionGenetics, part of Exact Sciences
Classification: Likely benign for DHTKD1-related condition. Last evaluated: 2020-01-22. Review status: no assertion criteria provided. Collection method: clinical testing. Allele origin: germline. Not counted in ClinVar's aggregate classification.
Comment: This variant is classified as likely benign based on ACMG/AMP sequence variant interpretation guidelines (Richards et al. 2015 PMID: 25741868, with internal and published modifications).

NM_018706.7(DHTKD1):c.2742C>T (p.Leu914=)

Gene: DHTKD1 (dehydrogenase E1 and transketolase domain containing 1; plus strand). Cytogenetic location: 10p14.
Variant type: single nucleotide variant.
Coding change: c.2742C>T on transcript NM_018706.7 (MANE Select); coding-DNA position 2742, C replaced by T.
Protein change: p.Leu914=; no amino-acid change (leucine 914 retained).
Molecular consequence: synonymous variant.
Genome position (GRCh38, 1-based): chr10:12,120,870, C>T. VCF-style: chr10-12120870-C-T. GRCh37 (hg19) VCF-style: chr10-12162869-C-T.
Identifiers: ClinVar variation 770761 (VCV000770761.50), dbSNP rs201680688, ClinGen allele CA5408384.
Genomic context (GRCh38, chr10:12,120,870, plus strand): 5'-TTTGCCAGTACCCGCTGTAGGAATTGGCACAGTTCACTTGCACCAGCATGAAGATATCCT[C>T]GCCAAGACCTTCGCTTGATGATGACTTTTGAAGAAACACTATTTCTCTTTAAGAAAATGG-3'
Protein context (NP_061176.4, residues 904-919): TVHLHQHEDI[Leu914=]AKTFA